The following is an entry in ClinVar:

NM_005402.4(RALA):c.409G>A (p.Val137Ile)

Gene: RALA (RAS like proto-oncogene A; plus strand). Cytogenetic location: 7p14.1.
Variant type: single nucleotide variant.
Coding change: c.409G>A on transcript NM_005402.4 (MANE Select); coding-DNA position 409, G replaced by A.
Protein change: p.Val137Ile; replaces valine 137 with isoleucine.
Molecular consequence: missense variant.
Genome position (GRCh38, 1-based): chr7:39,696,770, G>A. VCF-style: chr7-39696770-G-A. GRCh37 (hg19) VCF-style: chr7-39736369-G-A.
Other names: short protein forms V137I.
Identifiers: ClinVar variation 2873490 (VCV002873490.3), dbSNP rs1426487923, ClinGen allele CA367306389.

ClinVar aggregate classification (germline): Uncertain significance (1 of 4 stars; one submission).

gnomAD v4.1: 5 of 1,613,326 alleles (0.00031%); highest among the groups gnomAD compares: Non-Finnish European, 0.00042%; no homozygotes.

Submission:

Labcorp Genetics (formerly Invitae), Labcorp
Classification: Uncertain significance. Last evaluated: 2023-09-11. Review status: criteria provided, single submitter. Criteria: Invitae Variant Classification Sherloc (09022015). Collection method: clinical testing. Allele origin: germline.
Comment: This sequence change replaces valine, which is neutral and non-polar, with isoleucine, which is neutral and non-polar, at codon 137 of the RALA protein (p.Val137Ile). This variant is present in population databases (no rsID available, gnomAD 0.0009%). This variant has not been reported in the literature in individuals affected with RALA-related conditions. Advanced modeling of protein sequence and biophysical properties (such as structural, functional, and spatial information, amino acid conservation, physicochemical variation, residue mobility, and thermodynamic stability) performed at Invitae indicates that this missense variant is not expected to disrupt RALA protein function. In summary, the available evidence is currently insufficient to determine the role of this variant in disease. Therefore, it has been classified as a Variant of Uncertain Significance.